The following is an entry in ClinVar:

ClinVar aggregate classification (germline): Uncertain significance (1 of 4 stars; one submission).

gnomAD v4.1: 10 of 1,613,388 alleles (0.00062%); highest among the groups gnomAD compares: Non-Finnish European, 0.00085%; no homozygotes.

Submission:

GeneDx
Classification: Uncertain significance. Last evaluated: 2023-05-17. Review status: criteria provided, single submitter. Criteria: GeneDx Variant Classification Process June 2021. Collection method: clinical testing. Allele origin: germline. Affected: yes.
Comment: Not observed at significant frequency in large population cohorts (gnomAD); In silico analysis supports that this missense variant does not alter protein structure/function; In silico analysis is inconclusive as to whether the variant alters gene splicing. In the absence of RNA/functional studies, the actual effect of this sequence change is unknown.; Has not been previously published as pathogenic or benign to our knowledge

NM_006828.4(ASCC3):c.3760G>T (p.Val1254Leu)

Gene: ASCC3 (activating signal cointegrator 1 complex subunit 3; minus strand). Cytogenetic location: 6q16.3.
Variant type: single nucleotide variant.
Coding change: c.3760G>T on transcript NM_006828.4 (MANE Select); coding-DNA position 3760, G replaced by T.
Protein change: p.Val1254Leu; replaces valine 1254 with leucine.
Molecular consequence: missense variant.
Genome position (GRCh38, 1-based): chr6:100,642,722, C>A on the plus strand (G>T on the coding strand, the complement: ASCC3 is on the minus strand). VCF-style: chr6-100642722-C-A. GRCh37 (hg19) VCF-style: chr6-101090598-C-A.
Other names: short protein forms V1254L.
Identifiers: ClinVar variation 3343666 (VCV003343666.1).